The following is an entry in ClinVar:

ClinVar aggregate classification (germline): Uncertain significance (1 of 4 stars; one submission).

gnomAD v4.1: 4 of 1,578,664 alleles (0.00025%); highest among the groups gnomAD compares: African/African-American, 0.0054%; no homozygotes.

Submission:

Labcorp Genetics (formerly Invitae), Labcorp
Classification: Uncertain significance. Last evaluated: 2025-06-15. Review status: criteria provided, single submitter. Criteria: Invitae Variant Classification Sherloc (09022015). Collection method: clinical testing. Allele origin: germline.
Comment: This sequence change affects codon 384 of the TGFB1 mRNA. It is a 'silent' change, meaning that it does not change the encoded amino acid sequence of the TGFB1 protein. This variant is not present in population databases (gnomAD no frequency). This variant has not been reported in the literature in individuals affected with TGFB1-related conditions. Algorithms developed to predict the effect of sequence changes on RNA splicing suggest that this variant may create or strengthen a splice site. In summary, the available evidence is currently insufficient to determine the role of this variant in disease. Therefore, it has been classified as a Variant of Uncertain Significance.

NM_000660.7(TGFB1):c.1152G>A (p.Val384=)

Gene: TGFB1 (transforming growth factor beta 1; minus strand). Cytogenetic location: 19q13.2.
Variant type: single nucleotide variant.
Coding change: c.1152G>A on transcript NM_000660.7 (MANE Select); coding-DNA position 1152, G replaced by A.
Protein change: p.Val384=; no amino-acid change (valine 384 retained).
Molecular consequence: synonymous variant.
Genome position (GRCh38, 1-based): chr19:41,331,073, C>T on the plus strand (G>A on the coding strand, the complement: TGFB1 is on the minus strand). VCF-style: chr19-41331073-C-T. GRCh37 (hg19) VCF-style: chr19-41836978-C-T.
Identifiers: ClinVar variation 4766752 (VCV004766752.1).